The following is an entry in ClinVar:

ClinVar aggregate classification (germline): Uncertain significance (1 of 4 stars; one submission).

Conditions:
Fanconi anemia (FA). Also called: Fanconi's anemia. Identifiers: Orphanet 84, MedGen C0015625, MeSH D005199, MONDO:0019391.

gnomAD v4.1: 1 of 1,614,156 alleles (0.000062%); highest among the groups gnomAD compares: African/African-American, 0.0013%; no homozygotes.

Submission:

Labcorp Genetics (formerly Invitae), Labcorp
Classification: Uncertain significance for Fanconi anemia. Last evaluated: 2024-05-06. Review status: criteria provided, single submitter. Criteria: Invitae Variant Classification Sherloc (09022015). Collection method: clinical testing. Allele origin: germline.
Comment: This sequence change replaces phenylalanine, which is neutral and non-polar, with valine, which is neutral and non-polar, at codon 1342 of the FANCA protein (p.Phe1342Val). This variant is not present in population databases (gnomAD no frequency). This variant has not been reported in the literature in individuals affected with FANCA-related conditions. Advanced modeling of protein sequence and biophysical properties (such as structural, functional, and spatial information, amino acid conservation, physicochemical variation, residue mobility, and thermodynamic stability) performed at Invitae indicates that this missense variant is not expected to disrupt FANCA protein function with a negative predictive value of 80%. In summary, the available evidence is currently insufficient to determine the role of this variant in disease. Therefore, it has been classified as a Variant of Uncertain Significance.

NM_000135.4(FANCA):c.4024T>G (p.Phe1342Val)

Genes: FANCA (FA complementation group A; minus strand), ZNF276 (zinc finger protein 276; plus strand). Cytogenetic location: 16q24.3.
Variant type: single nucleotide variant.
Coding change: c.4024T>G on transcript NM_000135.4 (MANE Select); coding-DNA position 4024, T replaced by G.
Protein change: p.Phe1342Val; replaces phenylalanine 1342 with valine.
Molecular consequence: missense variant. On other transcripts: 3 prime UTR variant (2), non-coding transcript variant (4).
Genome position (GRCh38, 1-based): chr16:89,739,276, A>C on the plus strand (T>G on the coding strand, the complement: FANCA is on the minus strand). VCF-style: chr16-89739276-A-C. GRCh37 (hg19) VCF-style: chr16-89805684-A-C.
Other names: c.4024T>G, p.Phe1342Val (NM_001286167.3); c.*1030A>C (NM_001113525.2, NM_152287.4); short protein forms F1342V.
Identifiers: ClinVar variation 3715766 (VCV003715766.1).
Genomic context (GRCh38, chr16:89,739,276, plus strand): 5'-AGTACATGTCCACAGCAACATGCAGGAAGGCCTCTTCCCTGATGGCCGCGTCTTCATGGA[A>C]GTAGGAGAGAAGACTAGAGGTAAAGACATAGTGACAAATGGCTACAGACTGCTGGAAAGG-3'
Protein context (NP_000126.2, residues 1332-1352): PFAFYSLLSY[Phe1342Val]HEDAAIREEA